The following is an entry in ClinVar:

NM_001943.5(DSG2):c.567C>T (p.Pro189=)

Gene: DSG2 (desmoglein 2; plus strand). Cytogenetic location: 18q12.1.
Variant type: single nucleotide variant.
Coding change: c.567C>T on transcript NM_001943.5 (MANE Select); coding-DNA position 567, C replaced by T.
Protein change: p.Pro189=; no amino-acid change (proline 189 retained).
Molecular consequence: synonymous variant.
Genome position (GRCh38, 1-based): chr18:31,522,126, C>T. VCF-style: chr18-31522126-C-T. GRCh37 (hg19) VCF-style: chr18-29102089-C-T.
Identifiers: ClinVar variation 1332507 (VCV001332507.4), dbSNP rs745574525, ClinGen allele CA049414.
Genomic context (GRCh38, chr18:31,522,126, plus strand): 5'-TTTATTTCTAATGCCAGATACTCTTGTGATGAAAATCAATGCAACAGATGCAGATGAGCC[C>T]AATACCCTGAATTCGAAAATTTCCTATAGAATCGTATCTCTGGAGCCTGCTTATCCTCCA-3'
Protein context (NP_001934.2, residues 179-199): MKINATDADE[Pro189=]NTLNSKISYR

ClinVar aggregate classification (germline): Likely benign. Review status: criteria provided, multiple submitters, no conflicts (2 of 4 stars). 3 submissions from 3 submitters: Likely benign (3). Last evaluated 2025-04-09.

Conditions:
Arrhythmogenic right ventricular cardiomyopathy (ARVD). Also called: Cardiomyopathy, ARVC; Arrhythmogenic right ventricular dysplasia; Arrhythmogenic Right Ventricular Cardiomyopathy (ARVC); Arrhythmogenic cardiomyopathy. Identifiers: Orphanet 247, MedGen C0349788, MeSH D019571, MONDO:0016587. Disease mechanism: loss of function. Inheritance: Various modes of inheritance.
Cardiomyopathy (CMYO). Also called: Cardiomyopathies. Identifiers: Orphanet 167848, MedGen C0878544, MONDO:0004994, HP:0001638. Inheritance: Various modes of inheritance.

Allele frequency attached by ClinVar (database versions not stated): ExAC 0.00001; gnomAD exomes 0.00001 and 0.00002; TOPMed 0.00001.
gnomAD v4.1: 5 of 1,613,800 alleles (0.00031%); highest among the groups gnomAD compares: African/African-American, 0.0013%; no homozygotes.

Submissions (3):

Molecular Diagnostic Laboratory for Inherited Cardiovascular Disease, Montreal Heart Institute
Classification: Likely benign. Last evaluated: 2025-04-09. Review status: criteria provided, single submitter. Criteria: ACMG Guidelines, 2015. Collection method: clinical testing. Allele origin: germline. Affected: no.

All of Us Research Program, National Institutes of Health
Classification: Likely benign for Arrhythmogenic right ventricular cardiomyopathy. Last evaluated: 2023-08-15. Review status: criteria provided, single submitter. Criteria: ACMG Guidelines, 2015. Collection method: clinical testing. Allele origin: germline. Inheritance: Autosomal dominant inheritance. Observed: 2 variant alleles, 2 heterozygotes.
Comment: This study involves interpretation of variants in research participants for the purpose of population health screening. Participant phenotype was not available at the time of variant classification. Additional details can be found in publication PMID: 35346344, PMCID: PMC8962531

Color Diagnostics, LLC DBA Color Health
Classification: Likely benign for Cardiomyopathy. Last evaluated: 2021-04-14. Review status: criteria provided, single submitter. Criteria: ACMG Guidelines, 2015. Collection method: clinical testing. Allele origin: germline.